The following is an entry in ClinVar:

ClinVar aggregate classification (germline): Likely pathogenic. Review status: criteria provided, multiple submitters, no conflicts (2 of 4 stars). 2 submissions from 2 submitters: Likely pathogenic (2). Last evaluated 2025-09-26.

Conditions:
CNGA3-related disorders.
Retinal disorder. Also called: Retinopathy; Retinopathies; Retinal Diseases; Retinal disorders. Identifiers: MedGen C0035309, MONDO:0005283, HP:0000488.

gnomAD v4.1: 12 of 1,613,964 alleles (0.00074%); highest among the groups gnomAD compares: Non-Finnish European, 0.001%; no homozygotes.

Submissions (2):

Genetics Laboratory, Great Ormond Street Hospital NHS Foundation Trust, North Thames Genomic Laboratory Hub
Classification: Likely pathogenic for Retinal disorders. Last evaluated: 2025-09-26. Review status: criteria provided, single submitter. Criteria: ACGS Best Practice Guidelines for Variant Classification in Rare Disease 2024 v1.2. Collection method: clinical testing. Allele origin: germline. Affected: yes.
Comment: PM2_moderate, PP3_supporting, PM5_supporting, PS3_supporting, PM3_moderate

Blueprint Genetics
Classification: Likely pathogenic for CNGA3-related disorders. Last evaluated: 2023-05-17. Review status: criteria provided, single submitter. Criteria: ACMG Guidelines, 2015. Collection method: clinical testing. Allele origin: germline. Affected: yes. Observed: 4 variant alleles.

NM_001298.3(CNGA3):c.1270A>G (p.Met424Val)

Gene: CNGA3 (cyclic nucleotide gated channel subunit alpha 3; plus strand). Cytogenetic location: 2q11.2.
Variant type: single nucleotide variant.
Coding change: c.1270A>G on transcript NM_001298.3 (MANE Select); coding-DNA position 1270, A replaced by G.
Protein change: p.Met424Val; replaces methionine 424 with valine.
Molecular consequence: missense variant.
Genome position (GRCh38, 1-based): chr2:98,396,440, A>G. VCF-style: chr2-98396440-A-G. GRCh37 (hg19) VCF-style: chr2-99012903-A-G.
Other names: c.1216A>G, p.Met406Val (NM_001079878.2); short protein forms M406V, M424V.
Identifiers: ClinVar variation 4530694 (VCV004530694.2).